The following is an entry in ClinVar:

ClinVar aggregate classification (germline): Uncertain significance (1 of 4 stars; one submission).

gnomAD v4.1: 5 of 1,613,928 alleles (0.00031%); highest among the groups gnomAD compares: East Asian, 0.0022%; no homozygotes.

Submission:

GeneDx
Classification: Uncertain significance. Last evaluated: 2025-07-14. Review status: criteria provided, single submitter. Criteria: GeneDx Variant Classification Process June 2021. Collection method: clinical testing. Allele origin: germline. Affected: yes.
Comment: Not observed at significant frequency in large population cohorts (gnomAD); In silico analysis supports that this missense variant has a deleterious effect on protein structure/function; Has not been previously published as pathogenic or benign to our knowledge

NM_004370.6(COL12A1):c.6037G>A (p.Gly2013Arg)

Gene: COL12A1 (collagen type XII alpha 1 chain; minus strand). Cytogenetic location: 6q13.
Variant type: single nucleotide variant.
Coding change: c.6037G>A on transcript NM_004370.6 (MANE Select); coding-DNA position 6037, G replaced by A.
Protein change: p.Gly2013Arg; replaces glycine 2013 with arginine.
Molecular consequence: missense variant.
Genome position (GRCh38, 1-based): chr6:75,130,882, C>T on the plus strand (G>A on the coding strand, the complement: COL12A1 is on the minus strand). VCF-style: chr6-75130882-C-T. GRCh37 (hg19) VCF-style: chr6-75840598-C-T.
Other names: c.6037G>A, p.Gly2013Arg (NM_001424113.1); c.6016G>A, p.Gly2006Arg (NM_001424114.1); c.5764G>A, p.Gly1922Arg (NM_001424115.1); c.2545G>A, p.Gly849Arg (NM_001424116.1, NM_080645.3); short protein forms G1922R, G2006R, G2013R, G849R.
Identifiers: ClinVar variation 4686217 (VCV004686217.1).